The following is an entry in ClinVar:

NM_000587.4(C7):c.2350+9C>A

Gene: C7 (complement C7; plus strand). Cytogenetic location: 5p13.1.
Variant type: single nucleotide variant.
Coding change: c.2350+9C>A on transcript NM_000587.4 (MANE Select); 9 bases into the intron after coding-DNA position 2350, C replaced by A.
Molecular consequence: intron variant.
Genome position (GRCh38, 1-based): chr5:40,979,918, C>A. VCF-style: chr5-40979918-C-A. GRCh37 (hg19) VCF-style: chr5-40980020-C-A.
Other names: c.2350+9C>A (NM_000587.3).
Identifiers: ClinVar variation 1170592 (VCV001170592.13), dbSNP rs79210512, ClinGen allele CA3250274.

ClinVar aggregate classification (germline): Benign/Likely benign. Review status: criteria provided, multiple submitters, no conflicts (2 of 4 stars). 4 submissions from 4 submitters: Benign (1); Likely benign (2). 1 of the submissions does not count toward it. Last evaluated 2026-02-01.

Conditions:
C7-related disorder. Also called: C7-related condition.

Allele frequency attached by ClinVar (database versions not stated): gnomAD exomes 0.00142; ExAC 0.00191; gnomAD 0.00590 and 0.00617; ESP Exome Variant Server 0.00640; TOPMed 0.00680; 1000 Genomes Project 0.00759; 1000 Genomes Project 30x 0.00796.
gnomAD v4.1: 1,729 of 1,561,414 alleles (0.11%); highest among the groups gnomAD compares: African/African-American, 2%; 18 homozygotes.

Submissions (4):

Labcorp Genetics (formerly Invitae), Labcorp
Classification: Benign. Last evaluated: 2026-02-01. Review status: criteria provided, single submitter. Criteria: Invitae Variant Classification Sherloc (09022015). Collection method: clinical testing. Allele origin: germline.

Women's Health and Genetics/Laboratory Corporation of America, LabCorp
Classification: Likely benign. Last evaluated: 2026-01-22. Review status: criteria provided, single submitter. Criteria: LabCorp Variant Classification Summary - May 2015. Collection method: clinical testing. Allele origin: germline.

Blueprint Genetics
Classification: Likely benign. Last evaluated: 2024-10-02. Review status: criteria provided, single submitter. Criteria: ACMG Guidelines, 2015. Collection method: clinical testing. Allele origin: germline.

PreventionGenetics, part of Exact Sciences
Classification: Benign for C7-related condition. Last evaluated: 2023-12-11. Review status: no assertion criteria provided. Collection method: clinical testing. Allele origin: germline. Not counted in ClinVar's aggregate classification.
Comment: This variant is classified as benign based on ACMG/AMP sequence variant interpretation guidelines (Richards et al. 2015 PMID: 25741868, with internal and published modifications).